The following is an entry in ClinVar:

ClinVar aggregate classification (germline): Uncertain significance (1 of 4 stars; one submission).

Conditions:
Hypertrophic cardiomyopathy. Also called: HYPERTROPHIC MYOCARDIOPATHY. Identifiers: Orphanet 217569, MedGen C0007194, MeSH D002312, MONDO:0005045, HP:0001639.

Submission:

Labcorp Genetics (formerly Invitae), Labcorp
Classification: Uncertain significance for Hypertrophic cardiomyopathy. Last evaluated: 2022-07-11. Review status: criteria provided, single submitter. Criteria: Invitae Variant Classification Sherloc (09022015). Collection method: clinical testing. Allele origin: germline.
Comment: In summary, the available evidence is currently insufficient to determine the role of this variant in disease. Therefore, it has been classified as a Variant of Uncertain Significance. Algorithms developed to predict the effect of missense changes on protein structure and function (SIFT, PolyPhen-2, Align-GVGD) all suggest that this variant is likely to be tolerated. This variant has not been reported in the literature in individuals affected with MYBPC3-related conditions. This variant is not present in population databases (gnomAD no frequency). This variant, c.74_80delinsCTTCCTCGGT, is a complex sequence change that results in the deletion of 3 and insertion of 4 amino acid(s) in the MYBPC3 protein (p.Ser25_Ala27delinsThrSerSerVal).

NM_000256.3(MYBPC3):c.74_80delinsCTTCCTCGGT (p.Ser25_Ala27delinsThrSerSerVal)

Gene: MYBPC3 (myosin binding protein C3; minus strand). Cytogenetic location: 11p11.2.
Variant type: Indel.
Coding change: c.74_80delinsCTTCCTCGGT on transcript NM_000256.3 (MANE Select); coding-DNA positions 74 to 80, GCCCTGC replaced by CTTCCTCGGT.
Protein change: p.Ser25_Ala27delinsThrSerSerVal.
Molecular consequence: inframe indel.
Genome position (GRCh38, 1-based): chr11:47,351,451-47,351,457, GCAGGGC replaced by ACCGAGGAAG on the plus strand (GCCCTGC replaced by CTTCCTCGGT on the coding strand, the reverse complement: MYBPC3 is on the minus strand). VCF-style: chr11-47351451-GCAGGGC-ACCGAGGAAG. GRCh37 (hg19) VCF-style: chr11-47373002-GCAGGGC-ACCGAGGAAG.
Identifiers: ClinVar variation 2137087 (VCV002137087.4), dbSNP rs2495786598, ClinGen allele CA2580084283.